The following is an entry in ClinVar:

NM_002691.4(POLD1):c.1495-12G>C

Gene: POLD1 (DNA polymerase delta 1, catalytic subunit; plus strand). Cytogenetic location: 19q13.33.
Variant type: single nucleotide variant.
Coding change: c.1495-12G>C on transcript NM_002691.4 (MANE Select); 12 bases into the intron before coding-DNA position 1495, G replaced by C.
Molecular consequence: intron variant.
Genome position (GRCh38, 1-based): chr19:50,406,971, G>C. VCF-style: chr19-50406971-G-C. GRCh37 (hg19) VCF-style: chr19-50910228-G-C.
Other names: c.1495-12G>C (NM_001256849.1, NM_001308632.1).
Identifiers: ClinVar variation 3904470 (VCV003904470.1).

ClinVar aggregate classification (germline): Likely benign (1 of 4 stars; one submission).

Conditions:
POLD1-related polyposis and colorectal cancer syndrome (CRCS10). Also called: Colorectal cancer 10; COLORECTAL CANCER, SUSCEPTIBILITY TO, ON CHROMOSOME 19q; Colorectal cancer, susceptibility to, 10. Identifiers: Orphanet 220460, MedGen C2675481, MONDO:0012953, OMIM 612591.

Submission:

Myriad Genetics, Inc.
Classification: Likely benign for POLD1-related polyposis and colorectal cancer syndrome. Last evaluated: 2025-02-06. Review status: criteria provided, single submitter. Criteria: Myriad Autosomal Dominant, Autosomal Recessive and X-Linked Classification Criteria (2023). Collection method: clinical testing. Allele origin: unknown.
Comment: This variant is considered likely benign. This variant is intronic and is not expected to impact mRNA splicing.